The following is an entry in ClinVar:

ClinVar aggregate classification (germline): Conflicting classifications of pathogenicity. Review status: criteria provided, conflicting classifications (1 of 4 stars). 2 submissions from 2 submitters: Pathogenic (1); Uncertain significance (1). Last evaluated 2023-02-04.

Allele frequency attached by ClinVar (database versions not stated): gnomAD exomes 0.00001; ExAC 0.00002.

Submissions (2):

Labcorp Genetics (formerly Invitae), Labcorp
Classification: Pathogenic. Last evaluated: 2023-02-04. Review status: criteria provided, single submitter. Criteria: Invitae Variant Classification Sherloc (09022015). Collection method: clinical testing. Allele origin: germline.
Comment: For these reasons, this variant has been classified as Pathogenic. This variant disrupts the p.Met1778 amino acid residue in ABCA4. Other variant(s) that disrupt this residue have been determined to be pathogenic (PMID: 32141364). This suggests that this residue is clinically significant, and that variants that disrupt this residue are likely to be disease-causing. Advanced modeling of protein sequence and biophysical properties (such as structural, functional, and spatial information, amino acid conservation, physicochemical variation, residue mobility, and thermodynamic stability) performed at Invitae indicates that this missense variant is expected to disrupt ABCA4 protein function. This missense change has been observed in individual(s) with autosomal recessive Stargardt disease (PMID: 30060493). This variant is present in population databases (rs768206358, gnomAD 0.003%). This sequence change replaces methionine, which is neutral and non-polar, with leucine, which is neutral and non-polar, at codon 1778 of the ABCA4 protein (p.Met1778Leu).

Blueprint Genetics
Classification: Uncertain significance. Last evaluated: 2022-08-03. Review status: criteria provided, single submitter. Criteria: ACMG Guidelines, 2015. Collection method: clinical testing. Allele origin: germline.

Literature cited by the submitters: PubMed 32141364 (cited by Labcorp Genetics (formerly Invitae), Labcorp); PubMed 30060493 (cited by Labcorp Genetics (formerly Invitae), Labcorp).

NM_000350.3(ABCA4):c.5332A>T (p.Met1778Leu)

Gene: ABCA4 (ATP binding cassette subfamily A member 4; minus strand). Cytogenetic location: 1p22.1.
Variant type: single nucleotide variant.
Coding change: c.5332A>T on transcript NM_000350.3 (MANE Select); coding-DNA position 5332, A replaced by T.
Protein change: p.Met1778Leu; replaces methionine 1778 with leucine.
Molecular consequence: missense variant.
Genome position (GRCh38, 1-based): chr1:94,014,671, T>A on the plus strand (A>T on the coding strand, the complement: ABCA4 is on the minus strand). VCF-style: chr1-94014671-T-A. GRCh37 (hg19) VCF-style: chr1-94480227-T-A.
Other names: c.5110A>T, p.Met1704Leu (NM_001425324.1); short protein forms M1778L, M1704L.
Identifiers: ClinVar variation 2750376 (VCV002750376.4), dbSNP rs768206358, ClinGen allele CA957297.
Genomic context (GRCh38, chr1:94,014,671, plus strand): 5'-CACAAGATAAAGCCACATAGGCTGTGCTGGGGACATCAAACAGGAAGGATGCTGGGTACA[T>A]CATGGGAATGACCGCCCATCTGTGTGAAATGAGACAACTCAGAGTGATGGAGTTCCACAT-3'
Protein context (NP_000341.2, residues 1768-1788): LLYGWAVIPM[Met1778Leu]YPASFLFDVP